The following is an entry in ClinVar:

NM_130849.4(SLC39A4):c.14_17delinsCCCCA (p.Val5fs)

Gene: SLC39A4 (solute carrier family 39 member 4; minus strand). Cytogenetic location: 8q24.3.
Variant type: Indel.
Coding change: c.14_17delinsCCCCA on transcript NM_130849.4 (MANE Select); coding-DNA positions 14 to 17, TCTC replaced by CCCCA.
Protein change: p.Val5fs; shifts the reading frame from valine 5.
Molecular consequence: frameshift variant.
Genome position (GRCh38, 1-based): chr8:144,416,773-144,416,776, GAGA replaced by TGGGG on the plus strand (TCTC replaced by CCCCA on the coding strand, the reverse complement: SLC39A4 is on the minus strand). VCF-style: chr8-144416773-GAGA-TGGGG. GRCh37 (hg19) VCF-style: chr8-145642157-GAGA-TGGGG.
Other names: c.14_17delinsCCCCA, p.Val5fs (NM_001374839.1); short protein forms V5fs.
Identifiers: ClinVar variation 3254617 (VCV003254617.1), dbSNP rs2537440685.

ClinVar aggregate classification (germline): Pathogenic (1 of 4 stars; one submission).

Conditions:
Hereditary acrodermatitis enteropathica (AEZ). Also called: Acrodermatitis enteropathica. Identifiers: Orphanet 37, MedGen C0221036, MONDO:0008713, OMIM 201100.

Submission:

Victorian Clinical Genetics Services, Murdoch Childrens Research Institute
Classification: Pathogenic for Hereditary acrodermatitis enteropathica. Last evaluated: 2023-12-21. Review status: criteria provided, single submitter. Criteria: ACMG Guidelines, 2015. Collection method: clinical testing. Allele origin: germline. Inheritance: Autosomal recessive inheritance. Affected: yes.
Comment: Based on the classification scheme VCGS_Germline_v1.3.4, this variant is classified as Pathogenic. Following criteria are met: 0102 - Loss of function is a known mechanism of disease in this gene and is associated with acrodermatitis enteropathica (MIM#201100). (I) 0106 - This gene is associated with autosomal recessive disease. (I) 0201 - Variant is predicted to cause nonsense-mediated decay (NMD) and loss of protein (premature termination codon is located at least 54 nucleotides upstream of the final exon-exon junction). (SP) 0251 - This variant is heterozygous. (I) 0301 - Variant is absent from gnomAD (both v2 and v3). (SP) 0701 - Other NMD-predicted variants comparable to the one identified in this case have very strong previous evidence for pathogenicity (ClinVar). (SP) 0807 - This variant has no previous evidence of pathogenicity. (I) 0905 - No published segregation evidence has been identified for this variant. (I) 1007 - No published functional evidence has been identified for this variant. (I) 1101 - Very strong and specific phenotype match for this individual. (SP) 1201 - Heterozygous variant detected in trans with a second likely pathogenic heterozygous variant (NM_130849.3(SLC39A4):c.1225G>C; p.(Gly409Arg)) in a recessive disease. (I) Legend: (SP) - Supporting pathogenic, (I) - Information, (SB) - Supporting benign